The following is an entry in ClinVar:

ClinVar aggregate classification (germline): Conflicting classifications of pathogenicity. Review status: criteria provided, conflicting classifications (1 of 4 stars). 8 submissions from 8 submitters: Likely pathogenic (1); Uncertain significance (7). Last evaluated 2026-08-06.

Conditions:
Smith-Lemli-Opitz syndrome (SLOS). Also called: 7-Dehydrocholesterol reductase deficiency; POLYDACTYLY, SEX REVERSAL, RENAL HYPOPLASIA, AND UNILOBAR LUNG; RSH SYNDROME; RUTLEDGE LETHAL MULTIPLE CONGENITAL ANOMALY SYNDROME; LETHAL ACRODYSGENITAL SYNDROME. Identifiers: Orphanet 818, MedGen C0175694, MONDO:0010035, OMIM 270400.

Allele frequency attached by ClinVar (database versions not stated): TOPMed 0.00002; gnomAD 0.00006; gnomAD exomes 0.00009; 1000 Genomes Project 30x 0.00016; 1000 Genomes Project 0.00020.
gnomAD v4.1: 65 of 1,612,362 alleles (0.004%); highest among the groups gnomAD compares: East Asian, 0.11%; no homozygotes.

Submissions (8):

OLLIN Analises Genomicas, OLLIN
Classification: Likely pathogenic for Smith-Lemli-Opitz syndrome. Last evaluated: 2026-08-06. Review status: criteria provided, single submitter. Criteria: ACMG Guidelines 2015 PMID 25741868. Collection method: clinical testing. Allele origin: germline. Inheritance: Autosomal recessive inheritance.
Comment: This missense variant, located in exon 9 (of 9), has been reported in ClinVar (accession VCV000449476.12) and in gnomAD with an allele frequency of 0.00403%. However, to our knowledge, it has not been reported in the scientific literature. In silico analysis predicts that this variant has a deleterious effect. This variant is located in a region considered to be a mutational hotspot. Another pathogenic variant affecting the same amino acid residue has been reported. This gene is constrained for missense variation. According to the currently available evidence, this variant has been classified as likely pathogenic (PM1, PM2_P, PM5, PP2, PP3_M).

Labcorp Genetics (formerly Invitae), Labcorp
Classification: Uncertain significance for Smith-Lemli-Opitz syndrome. Last evaluated: 2025-03-20. Review status: criteria provided, single submitter. Criteria: Invitae Variant Classification Sherloc (09022015). Collection method: clinical testing. Allele origin: germline.
Comment: This sequence change replaces arginine, which is basic and polar, with histidine, which is basic and polar, at codon 469 of the DHCR7 protein (p.Arg469His). This variant is present in population databases (rs201150384, gnomAD 0.1%). This variant has not been reported in the literature in individuals affected with DHCR7-related conditions. ClinVar contains an entry for this variant (Variation ID: 596851). Invitae Evidence Modeling of protein sequence and biophysical properties (such as structural, functional, and spatial information, amino acid conservation, physicochemical variation, residue mobility, and thermodynamic stability) indicates that this missense variant is expected to disrupt DHCR7 protein function with a positive predictive value of 95%. In summary, the available evidence is currently insufficient to determine the role of this variant in disease. Therefore, it has been classified as a Variant of Uncertain Significance.

Fulgent Genetics
Classification: Uncertain significance for Smith-Lemli-Opitz syndrome. Last evaluated: 2024-01-18. Review status: criteria provided, single submitter. Criteria: ACMG Guidelines, 2015. Collection method: clinical testing. Allele origin: germline.

GeneDx
Classification: Uncertain significance. Last evaluated: 2023-10-09. Review status: criteria provided, single submitter. Criteria: GeneDx Variant Classification Process June 2021. Collection method: clinical testing. Allele origin: germline. Affected: yes.
Comment: Reported as part of an assessment of allelic frequency in SLOS, but not described in a individual with SLOS (Cross et al., 2015); Identified in an individual with autism spectrum disorder; detailed clinical information was not provided (Saskin et al., 2017); In silico analysis supports that this missense variant has a deleterious effect on protein structure/function; This variant is associated with the following publications: (PMID: 28250423, 24813812)

Women's Health and Genetics/Laboratory Corporation of America, LabCorp
Classification: Uncertain significance. Last evaluated: 2022-02-22. Review status: criteria provided, single submitter. Criteria: LabCorp Variant Classification Summary - May 2015. Collection method: clinical testing. Allele origin: germline.
Comment: Variant summary: DHCR7 c.1406G>A (p.Arg469His) results in a non-conservative amino acid change in the encoded protein sequence. Four of five in-silico tools predict a damaging effect of the variant on protein function. The variant allele was found at a frequency of 9.3e-05 in 246550 control chromosomes, predominantly at a frequency of 0.001 within the East Asian subpopulation in the gnomAD database. This frequency is not higher than expected for a pathogenic variant in DHCR7 causing Smith-Lemli-Opitz Syndrome (9.3e-05 vs 0.0043), allowing no conclusion about variant significance. c.1406G>A has been reported in the literature in atleast one individual affected with Autism spectrum disorder without evidence for causality (Saskin_2017). This report does not provide unequivocal conclusions about association of the variant with Smith-Lemli-Opitz Syndrome. To our knowledge, no experimental evidence demonstrating an impact on protein function has been reported. Two clinical diagnostic laboratories have submitted clinical-significance assessments for this variant to ClinVar after 2014 and classified the variant as uncertain significance. Based on the evidence outlined above, the variant was classified as uncertain significance.

Eurofins Ntd Llc (ga)
Classification: Uncertain significance. Last evaluated: 2018-04-12. Review status: criteria provided, single submitter. Criteria: EGL ClinVar v180209 classification definitions. Collection method: clinical testing. Allele origin: germline. Observed: 1 variant allele, 1 heterozygote.

Illumina Laboratory Services, Illumina
Classification: Uncertain significance for Smith-Lemli-Opitz syndrome. Last evaluated: 2017-04-27. Review status: criteria provided, single submitter. Criteria: ICSL Variant Classification Criteria 13 December 2019. Collection method: clinical testing. Allele origin: germline.

Juno Genomics, Hangzhou Juno Genomics, Inc
Classification: Uncertain significance for Smith-Lemli-Opitz syndrome. Review status: criteria provided, single submitter. Criteria: ACMG Guidelines, 2015. Collection method: clinical testing. Allele origin: germline.
Comment: Multiple lines of computational evidence support a deleterious effect on the gene or gene product.

Literature cited by the submitters: PubMed 28250423 (cited by Women's Health and Genetics/Laboratory Corporation of America, LabCorp); PubMed 24813812 (cited by Women's Health and Genetics/Laboratory Corporation of America, LabCorp).

NM_001360.3(DHCR7):c.1406G>A (p.Arg469His)

Gene: DHCR7 (7-dehydrocholesterol reductase; minus strand). Cytogenetic location: 11q13.4.
Variant type: single nucleotide variant.
Coding change: c.1406G>A on transcript NM_001360.3 (MANE Select); coding-DNA position 1406, G replaced by A.
Protein change: p.Arg469His; replaces arginine 469 with histidine.
Molecular consequence: missense variant.
Genome position (GRCh38, 1-based): chr11:71,435,397, C>T on the plus strand (G>A on the coding strand, the complement: DHCR7 is on the minus strand). VCF-style: chr11-71435397-C-T. GRCh37 (hg19) VCF-style: chr11-71146443-C-T.
Other names: c.1406G>A, p.Arg469His (NM_001163817.2); short protein forms R469H.
Identifiers: ClinVar variation 596851 (VCV000596851.18), dbSNP rs201150384, ClinGen allele CA6162235.